The following is an entry in ClinVar:

ClinVar aggregate classification (germline): Likely benign (1 of 4 stars; one submission).

gnomAD v4.1: 5 of 1,610,512 alleles (0.00031%); highest among the groups gnomAD compares: Admixed American, 0.0067%; no homozygotes.

Submission:

CeGaT Center for Human Genetics Tuebingen
Classification: Likely benign. Last evaluated: 2026-03-01. Review status: criteria provided, single submitter. Criteria: CeGaT Center For Human Genetics Tuebingen Variant Classification Criteria Version 2. Collection method: clinical testing. Allele origin: germline. Affected: yes. Observed: 1 variant allele.
Comment: PLCH1: BP4, BP7

NM_014996.4(PLCH1):c.1068A>G (p.Glu356=)

Gene: PLCH1 (phospholipase C eta 1; minus strand). Cytogenetic location: 3q25.31.
Variant type: single nucleotide variant.
Coding change: c.1068A>G on transcript NM_014996.4 (MANE Select); coding-DNA position 1068, A replaced by G.
Protein change: p.Glu356=; no amino-acid change (glutamic acid 356 retained).
Molecular consequence: synonymous variant.
Genome position (GRCh38, 1-based): chr3:155,564,916, T>C on the plus strand (A>G on the coding strand, the complement: PLCH1 is on the minus strand). VCF-style: chr3-155564916-T-C. GRCh37 (hg19) VCF-style: chr3-155282705-T-C.
Other names: c.1032A>G, p.Glu344= (NM_001130960.2, NM_001130961.2, NM_001349250.2); c.1068A>G, p.Glu356= (NM_001349251.2, NM_001349252.2).
Identifiers: ClinVar variation 4823812 (VCV004823812.4).
Genomic context (GRCh38, chr3:155,564,916, plus strand): 5'-AGACTGATTAAAGGACAGGGTCACCCATACACACCGGAGCTCAGAAAAAGTGCACGTACC[T>C]TCCACACAGCGACAGCCCTCTTGCAGCACCCGTGCATACATATCCACTTTGGACTGAGAA-3'
Protein context (NP_055811.2, residues 346-366): RVLQEGCRCV[Glu356=]VDCWDGPDGE